The following is an entry in ClinVar:

ClinVar aggregate classification (germline): Uncertain significance (1 of 4 stars; one submission).

gnomAD v4.1: 10 of 1,614,130 alleles (0.00062%); highest among the groups gnomAD compares: Non-Finnish European, 0.00076%; no homozygotes.

Submission:

ARUP Laboratories, Molecular Genetics and Genomics, ARUP Laboratories
Classification: Uncertain significance. Last evaluated: 2025-05-05. Review status: criteria provided, single submitter. Criteria: ARUP Molecular Germline Variant Investigation Process 2024. Collection method: clinical testing. Allele origin: germline.
Comment: The TNFRSF1A c.397C>T; p.Arg133Trp variant (rs771210186), also known as p.Arg104Trp is reported in the literature in the homozygous state in two individuals from one pedigree affected with familial periodic fever. Heterozygous family members in this pedigree are reported unaffected, suggesting this may be a low penetrance variant (Wong 2015). This variant is only observed on one allele in the Genome Aggregation Database (v2.1.1), indicating it is not a common polymorphism. Computational analyses are uncertain whether this variant is neutral or deleterious (REVEL: 0.505). Due to limited information, the clinical significance of this variant is uncertain at this time. References: Wong et al. Autosomal recessive transmission of TRAPS in a family with a novel TNFRSF1A mutation. Scand J Rheumatol. 2015 May;44(3):255-6. PMID: 25744939.

NM_001065.4(TNFRSF1A):c.397C>T (p.Arg133Trp)

Gene: TNFRSF1A (TNF receptor superfamily member 1A; minus strand). Cytogenetic location: 12p13.31.
Variant type: single nucleotide variant.
Coding change: c.397C>T on transcript NM_001065.4 (MANE Select); coding-DNA position 397, C replaced by T.
Protein change: p.Arg133Trp; replaces arginine 133 with tryptophan.
Molecular consequence: missense variant. On other transcripts: 5 prime UTR variant (1), non-coding transcript variant (1).
Genome position (GRCh38, 1-based): chr12:6,333,442, G>A on the plus strand (C>T on the coding strand, the complement: TNFRSF1A is on the minus strand). VCF-style: chr12-6333442-G-A. GRCh37 (hg19) VCF-style: chr12-6442608-G-A.
Other names: c.73C>T, p.Arg25Trp (NM_001346091.2); c.-181C>T (NM_001346092.2); short protein forms R133W, R25W.
Identifiers: ClinVar variation 4685798 (VCV004685798.1).